The following is an entry in ClinVar:

ClinVar aggregate classification (germline): Uncertain significance (1 of 4 stars; one submission).

Allele frequency attached by ClinVar (database versions not stated): gnomAD exomes below 0.00001; TOPMed below 0.00001; gnomAD 0.00001.
gnomAD v4.1: 2 of 1,364,218 alleles (0.00015%); highest among the groups gnomAD compares: Non-Finnish European, 0.0001%; no homozygotes.

Submission:

Labcorp Genetics (formerly Invitae), Labcorp
Classification: Uncertain significance. Last evaluated: 2025-07-14. Review status: criteria provided, single submitter. Criteria: Invitae Variant Classification Sherloc (09022015). Collection method: clinical testing. Allele origin: germline.
Comment: This sequence change falls in intron 8 of the PLK4 gene. It does not directly change the encoded amino acid sequence of the PLK4 protein. It affects a nucleotide within the consensus splice site. This variant is not present in population databases (gnomAD no frequency). This variant has not been reported in the literature in individuals affected with PLK4-related conditions. ClinVar contains an entry for this variant (Variation ID: 1511245). Variants that disrupt the consensus splice site are a relatively common cause of aberrant splicing (PMID: 17576681, 9536098). Algorithms developed to predict the effect of sequence changes on RNA splicing suggest that this variant is not likely to affect RNA splicing. In summary, the available evidence is currently insufficient to determine the role of this variant in disease. Therefore, it has been classified as a Variant of Uncertain Significance.

Literature cited by the submitters: PubMed 17576681; PubMed 9536098.

NM_014264.5(PLK4):c.1935+5T>C

Gene: PLK4 (polo like kinase 4; plus strand). Cytogenetic location: 4q28.1.
Variant type: single nucleotide variant.
Coding change: c.1935+5T>C on transcript NM_014264.5 (MANE Select); 5 bases into the intron after coding-DNA position 1935, T replaced by C.
Molecular consequence: intron variant.
Genome position (GRCh38, 1-based): chr4:127,891,201, T>C. VCF-style: chr4-127891201-T-C. GRCh37 (hg19) VCF-style: chr4-128812356-T-C.
Other names: c.1839+5T>C (NM_001190799.2); c.1812+5T>C (NM_001190801.2).
Identifiers: ClinVar variation 1511245 (VCV001511245.6), dbSNP rs1735344852, ClinGen allele CA1067853153.